The following is an entry in ClinVar:

ClinVar aggregate classification (germline): Uncertain significance (1 of 4 stars; one submission).

gnomAD v4.1: 1 of 1,612,638 alleles (0.000062%); no homozygotes.

Submission:

GeneDx
Classification: Uncertain significance. Last evaluated: 2025-08-01. Review status: criteria provided, single submitter. Criteria: GeneDx Variant Classification Process June 2021. Collection method: clinical testing. Allele origin: germline. Affected: yes.
Comment: Not observed at significant frequency in large population cohorts (gnomAD); In silico analysis suggests that this missense variant does not alter protein structure/function; Has not been previously published as pathogenic or benign to our knowledge

NM_001351132.2(PEX5):c.128G>T (p.Gly43Val)

Gene: PEX5 (peroxisomal biogenesis factor 5; plus strand). Cytogenetic location: 12p13.31.
Variant type: single nucleotide variant.
Coding change: c.128G>T on transcript NM_001351132.2 (MANE Select); coding-DNA position 128, G replaced by T.
Protein change: p.Gly43Val; replaces glycine 43 with valine.
Molecular consequence: missense variant.
Genome position (GRCh38, 1-based): chr12:7,190,505, G>T. VCF-style: chr12-7190505-G-T. GRCh37 (hg19) VCF-style: chr12-7343101-G-T.
Other names: c.128G>T, p.Gly43Val (NM_000319.5, NM_001131023.2, NM_001131024.2 and 22 more transcripts); short protein forms G43V.
Identifiers: ClinVar variation 4690142 (VCV004690142.1).
Genomic context (GRCh38, chr12:7,190,505, plus strand): 5'-ACTTCACCCAGGACAAGGCCCTTCGGCAGGAGGGATTGAGGCCTGGCCCCTGGCCCCCCG[G>T]AGCCCCGGCCTCTGAGGCAGTGAGTGTTCTTGAGGTGGAAAGCCCAGGTGCAGCCTCTGA-3'
Protein context (NP_001338061.1, residues 33-53): EGLRPGPWPP[Gly43Val]APASEAASKP